The following is an entry in ClinVar:

NM_002470.4(MYH3):c.3392C>G (p.Ala1131Gly)

Gene: MYH3 (myosin heavy chain 3; minus strand). Cytogenetic location: 17p13.1.
Variant type: single nucleotide variant.
Coding change: c.3392C>G on transcript NM_002470.4 (MANE Select); coding-DNA position 3392, C replaced by G.
Protein change: p.Ala1131Gly; replaces alanine 1131 with glycine.
Molecular consequence: missense variant.
Genome position (GRCh38, 1-based): chr17:10,638,380, G>C on the plus strand (C>G on the coding strand, the complement: MYH3 is on the minus strand). VCF-style: chr17-10638380-G-C. GRCh37 (hg19) VCF-style: chr17-10541697-G-C.
Other names: short protein forms A1131G.
Identifiers: ClinVar variation 2823965 (VCV002823965.3), dbSNP rs752323339, ClinGen allele CA398152426.

ClinVar aggregate classification (germline): Uncertain significance (1 of 4 stars; one submission).

Submission:

Labcorp Genetics (formerly Invitae), Labcorp
Classification: Uncertain significance. Last evaluated: 2022-12-24. Review status: criteria provided, single submitter. Criteria: Invitae Variant Classification Sherloc (09022015). Collection method: clinical testing. Allele origin: germline.
Comment: This sequence change replaces alanine, which is neutral and non-polar, with glycine, which is neutral and non-polar, at codon 1131 of the MYH3 protein (p.Ala1131Gly). This variant is not present in population databases (gnomAD no frequency). This variant has not been reported in the literature in individuals affected with MYH3-related conditions. Advanced modeling of protein sequence and biophysical properties (such as structural, functional, and spatial information, amino acid conservation, physicochemical variation, residue mobility, and thermodynamic stability) performed at Invitae indicates that this missense variant is not expected to disrupt MYH3 protein function. In summary, the available evidence is currently insufficient to determine the role of this variant in disease. Therefore, it has been classified as a Variant of Uncertain Significance.